The following is an entry in ClinVar:

NM_004736.4(XPR1):c.2008C>T (p.Arg670Cys)

Gene: XPR1 (xenotropic and polytropic retrovirus receptor 1; plus strand). Cytogenetic location: 1q25.3.
Variant type: single nucleotide variant.
Coding change: c.2008C>T on transcript NM_004736.4 (MANE Select); coding-DNA position 2008, C replaced by T.
Protein change: p.Arg670Cys; replaces arginine 670 with cysteine.
Molecular consequence: missense variant. On other transcripts: non-coding transcript variant (1).
Genome position (GRCh38, 1-based): chr1:180,880,275, C>T. VCF-style: chr1-180880275-C-T. GRCh37 (hg19) VCF-style: chr1-180849411-C-T.
Other names: c.1813C>T, p.Arg605Cys (NM_001135669.2); short protein forms R605C, R670C.
Identifiers: ClinVar variation 1927530 (VCV001927530.5), dbSNP rs761854990, ClinGen allele CA1272876.

ClinVar aggregate classification (germline): Uncertain significance (1 of 4 stars; one submission).

Allele frequency attached by ClinVar (database versions not stated): gnomAD 0.00003; ExAC 0.00007; TOPMed 0.00008.
gnomAD v4.1: 37 of 1,614,072 alleles (0.0023%); highest among the groups gnomAD compares: South Asian, 0.024%; no homozygotes.

Submission:

Labcorp Genetics (formerly Invitae), Labcorp
Classification: Uncertain significance. Last evaluated: 2025-09-15. Review status: criteria provided, single submitter. Criteria: Invitae Variant Classification Sherloc (09022015). Collection method: clinical testing. Allele origin: germline.
Comment: This sequence change replaces arginine, which is basic and polar, with cysteine, which is neutral and slightly polar, at codon 670 of the XPR1 protein (p.Arg670Cys). This variant is present in population databases (rs761854990, gnomAD 0.04%), and has an allele count higher than expected for a pathogenic variant. This variant has not been reported in the literature in individuals affected with XPR1-related conditions. ClinVar contains an entry for this variant (Variation ID: 1927530). An algorithm developed to predict the effect of missense changes on protein structure and function (PolyPhen-2) suggests that this variant is likely to be disruptive. In summary, the available evidence is currently insufficient to determine the role of this variant in disease. Therefore, it has been classified as a Variant of Uncertain Significance.